The following is an entry in ClinVar:

ClinVar aggregate classification (germline): Pathogenic/Likely pathogenic. Review status: criteria provided, multiple submitters, no conflicts (2 of 4 stars). 6 submissions from 6 submitters: Pathogenic (3); Likely pathogenic (2). 1 of the submissions does not count toward it. Last evaluated 2025-07-27.

Conditions:
Progressive scapulohumeroperoneal distal myopathy. Also called: Myopathy, scapulohumeroperoneal. Identifiers: Orphanet 447977, MedGen C4225181, MONDO:0014800, OMIM 616852.
Actin accumulation myopathy (CMYO2A). Also called: CONGENITAL MYOPATHY 2A, TYPICAL, AUTOSOMAL DOMINANT; Myopathy, actin, congenital, with cores; Nemaline myopathy 3, with intranuclear rods; Nemaline myopathy type 3; Myopathy, actin, congenital, with excess of thin myofilaments. Identifiers: Orphanet 98904, MedGen C3711389, MONDO:0008070, OMIM 161800.
Congenital myopathy with fiber type disproportion. Also called: Congenital fiber-type disproportion myopathy; Congenital fiber-type disproportion. Identifiers: Orphanet 2020, MedGen C0546264, MONDO:0009711. Inheritance: all.
ACTA1-related myopathies.
Congenital myopathy 2b, severe infantile, autosomal recessive (CMYO2B). Identifiers: MedGen C5830300, MONDO:0859517, OMIM 620265.

Allele frequency attached by ClinVar (database versions not stated): gnomAD 0.00003.
gnomAD v4.1: 10 of 1,611,098 alleles (0.00062%); highest among the groups gnomAD compares: African/African-American, 0.0013%; no homozygotes.

Submissions (6):

GeneDx
Classification: Pathogenic. Last evaluated: 2025-07-27. Review status: criteria provided, single submitter. Criteria: GeneDx Variant Classification Process June 2021. Collection method: clinical testing. Allele origin: germline.
Comment: Published functional studies demonstrate a damaging effect: abnormal protein folding (PMID: 15226407); Not observed at significant frequency in large population cohorts (gnomAD); Missense variants in this gene are a common cause of disease and they are underrepresented in the general population; In silico analysis supports that this missense variant has a deleterious effect on protein structure/function; This variant is associated with the following publications: (PMID: 10508519, 15226407, 15236405, 24077912, 27535533)

Labcorp Genetics (formerly Invitae), Labcorp
Classification: Pathogenic for Actin accumulation myopathy. Last evaluated: 2025-06-20. Review status: criteria provided, single submitter. Criteria: Invitae Variant Classification Sherloc (09022015). Collection method: clinical testing. Allele origin: germline.
Comment: This sequence change replaces glutamic acid, which is acidic and polar, with valine, which is neutral and non-polar, at codon 261 of the ACTA1 protein (p.Glu261Val). This variant is present in population databases (rs121909523, gnomAD 0.0009%). This missense change has been observed in individual(s) with autosomal recessive nemaline myopathy (PMID: 10508519, 15236405). In at least one individual the data is consistent with being in trans (on the opposite chromosome) from a pathogenic variant. It has also been observed to segregate with disease in related individuals. This variant is also known as p.Glu259Val. ClinVar contains an entry for this variant (Variation ID: 18283). Invitae Evidence Modeling of protein sequence and biophysical properties (such as structural, functional, and spatial information, amino acid conservation, physicochemical variation, residue mobility, and thermodynamic stability) indicates that this missense variant is expected to disrupt ACTA1 protein function with a positive predictive value of 80%. Experimental studies have shown that this missense change affects ACTA1 function (PMID: 15226407). For these reasons, this variant has been classified as Pathogenic.

Fulgent Genetics
Classification: Pathogenic for Actin accumulation myopathy; Congenital myopathy 4A, autosomal dominant; Progressive scapulohumeroperoneal distal myopathy. Last evaluated: 2021-10-14. Review status: criteria provided, single submitter. Criteria: ACMG Guidelines, 2015. Collection method: clinical testing. Allele origin: unknown.

Greenwood Genetic Center Diagnostic Laboratories, Greenwood Genetic Center
Classification: Likely pathogenic. Last evaluated: 2020-12-30. Review status: criteria provided, single submitter. Criteria: ACMG Guidelines, 2015. Collection method: clinical testing. Allele origin: germline. Affected: yes.
Comment: PS3, PM2

Illumina Laboratory Services, Illumina
Classification: Likely pathogenic for ACTA1-related myopathies. Last evaluated: 2019-01-08. Review status: criteria provided, single submitter. Criteria: ICSLVariantClassificationCriteria RUGD 01 April 2020. Collection method: clinical testing. Allele origin: unknown.
Comment: The ACTA1 c.782A>T (p.Glu261Val) variant, also referred to as p.Glu259Val, is a missense variant that has been reported in two studies which describe three compound heterozygous individuals with severe, autosomal recessive, nemaline myopathy, including a pair of siblings (Nowak et al. 1999; Agrawal et al. 2004). In both studies, the p.Glu261Val variant was inherited from heterozygous, clinically-unaffected parents. The p.Glu261Val variant was absent from 100 control subjects and is reported at a frequency of 0.000065 in the European (Non-Finnish) population of the Genome Aggregation Database though this is based on one allele in a region of good sequence coverage so the variant is presumed to be rare. Costa et al. (2004) evaluated the effect of the variant on protein folding and found that the variant protein was not released from prefoldin and CCT nor did it associated with actin-monomer-binding proteins, indicating a defective protein. Based on rarity of the variant, its identification in multiple affected individuals in the literature, and its effect on protein function, the p.Glu261Val variant is classified as likely pathogenic for ACTA1-related myopathies.

OMIM
Classification: Pathogenic for CONGENITAL MYOPATHY 2B, SEVERE INFANTILE, AUTOSOMAL RECESSIVE. Last evaluated: 1999-10-01. Review status: no assertion criteria provided. Collection method: literature only. Allele origin: germline. Not counted in ClinVar's aggregate classification.

Literature cited by the submitters: PubMed 10508519 (cited by 3 submitters); PubMed 15236405 (cited by Labcorp Genetics (formerly Invitae), Labcorp and Illumina Laboratory Services, Illumina); PubMed 15226407 (cited by Labcorp Genetics (formerly Invitae), Labcorp and Illumina Laboratory Services, Illumina); PubMed 18059071 (cited by Illumina Laboratory Services, Illumina); PubMed 22825594 (cited by Illumina Laboratory Services, Illumina); PubMed 24356988 (cited by Illumina Laboratory Services, Illumina); PubMed 12921789 (cited by OMIM).

NM_001100.4(ACTA1):c.782A>T (p.Glu261Val)

Gene: ACTA1 (actin alpha 1, skeletal muscle; minus strand). Cytogenetic location: 1q42.13.
Variant type: single nucleotide variant.
Coding change: c.782A>T on transcript NM_001100.4 (MANE Select); coding-DNA position 782, A replaced by T.
Protein change: p.Glu261Val; replaces glutamic acid 261 with valine.
Molecular consequence: missense variant.
Genome position (GRCh38, 1-based): chr1:229,432,020, T>A on the plus strand (A>T on the coding strand, the complement: ACTA1 is on the minus strand). VCF-style: chr1-229432020-T-A. GRCh37 (hg19) VCF-style: chr1-229567767-T-A.
Other names: E259V; short protein forms E261V.
Identifiers: ClinVar variation 18283 (VCV000018283.19), dbSNP rs121909523, ClinGen allele CA258136.